The following is an entry in ClinVar:

ClinVar aggregate classification (germline): Uncertain significance (1 of 4 stars; one submission).

Conditions:
Ullrich congenital muscular dystrophy 2 (UCMD2). Identifiers: Orphanet 75840, MedGen C4225314, MONDO:0014654, OMIM 616470.
Bethlem myopathy 2 (BTHLM2). Identifiers: Orphanet 536516, Orphanet 610, MedGen C4225313, MONDO:0034022, OMIM 616471.

Submission:

Labcorp Genetics (formerly Invitae), Labcorp
Classification: Uncertain significance for Bethlem myopathy 2; Ullrich congenital muscular dystrophy 2. Last evaluated: 2022-03-08. Review status: criteria provided, single submitter. Criteria: Invitae Variant Classification Sherloc (09022015). Collection method: clinical testing. Allele origin: germline.
Comment: In summary, the available evidence is currently insufficient to determine the role of this variant in disease. Therefore, it has been classified as a Variant of Uncertain Significance. Algorithms developed to predict the effect of missense changes on protein structure and function are either unavailable or do not agree on the potential impact of this missense change (SIFT: "Deleterious"; PolyPhen-2: "Possibly Damaging"; Align-GVGD: "Class C0"). This variant has not been reported in the literature in individuals affected with COL12A1-related conditions. This variant is not present in population databases (gnomAD no frequency). This sequence change replaces proline, which is neutral and non-polar, with threonine, which is neutral and polar, at codon 1775 of the COL12A1 protein (p.Pro1775Thr).

NM_004370.6(COL12A1):c.5323C>A (p.Pro1775Thr)

Gene: COL12A1 (collagen type XII alpha 1 chain; minus strand). Cytogenetic location: 6q13.
Variant type: single nucleotide variant.
Coding change: c.5323C>A on transcript NM_004370.6 (MANE Select); coding-DNA position 5323, C replaced by A.
Protein change: p.Pro1775Thr; replaces proline 1775 with threonine.
Molecular consequence: missense variant.
Genome position (GRCh38, 1-based): chr6:75,137,508, G>T on the plus strand (C>A on the coding strand, the complement: COL12A1 is on the minus strand). VCF-style: chr6-75137508-G-T. GRCh37 (hg19) VCF-style: chr6-75847224-G-T.
Other names: c.1831C>A, p.Pro611Thr (NM_080645.3); short protein forms P611T, P1775T.
Identifiers: ClinVar variation 1438224 (VCV001438224.8), dbSNP rs2149394273, ClinGen allele CA364737618.
Genomic context (GRCh38, chr6:75,137,508, plus strand): 5'-TGCCTTCCCCTGTGGAAGGCTGATAAGTGATCCTATATTTCTGCACACGACCACTAGCAG[G>T]ATCCCACTTAACAGTCAGGCTGTTAGATGTTGCATTGTACACTTGAAGGTTTCGTGGGCC-3'
Protein context (NP_004361.3, residues 1765-1785): TSNSLTVKWD[Pro1775Thr]ASGRVQKYRI